The following is an entry in ClinVar:

NM_020461.4(TUBGCP6):c.4949G>A (p.Arg1650His)

Gene: TUBGCP6 (tubulin gamma complex component 6; minus strand). Cytogenetic location: 22q13.33.
Variant type: single nucleotide variant.
Coding change: c.4949G>A on transcript NM_020461.4 (MANE Select); coding-DNA position 4949, G replaced by A.
Protein change: p.Arg1650His; replaces arginine 1650 with histidine.
Molecular consequence: missense variant.
Genome position (GRCh38, 1-based): chr22:50,218,493, C>T on the plus strand (G>A on the coding strand, the complement: TUBGCP6 is on the minus strand). VCF-style: chr22-50218493-C-T. GRCh37 (hg19) VCF-style: chr22-50656922-C-T.
Other names: c.4949G>A (NM_020461.3); short protein forms R1650H.
Identifiers: ClinVar variation 1475288 (VCV001475288.7), dbSNP rs1281933667, ClinGen allele CA412165241.
Genomic context (GRCh38, chr22:50,218,493, plus strand): 5'-GTGAGCGCAGCCTCCAGCCAGGGGTGCGGGGCGCCGGGCTCCAGCGGGGCCTCACCTGTG[C>T]GCTTGAGGTGGAAGCAGACGTCCTTGAGCGCCCACATCATGAGCTTCAGCTGCAGCAGGA-3'
Protein context (NP_065194.3, residues 1640-1660): ALKDVCFHLK[Arg1650His]TALLSHMAGS

ClinVar aggregate classification (germline): Uncertain significance. Review status: criteria provided, multiple submitters, no conflicts (2 of 4 stars). 2 submissions from 2 submitters: Uncertain significance (2). Last evaluated 2024-07-02.

Conditions:
Inborn genetic diseases. Identifiers: MedGen C0950123, MeSH D030342.

Allele frequency attached by ClinVar (database versions not stated): gnomAD exomes below 0.00001 and 0.00001.
gnomAD v4.1: 7 of 1,613,496 alleles (0.00043%); highest among the groups gnomAD compares: Non-Finnish European, 0.00059%; no homozygotes.

Submissions (2):

Labcorp Genetics (formerly Invitae), Labcorp
Classification: Uncertain significance. Last evaluated: 2024-07-02. Review status: criteria provided, single submitter. Criteria: Invitae Variant Classification Sherloc (09022015). Collection method: clinical testing. Allele origin: germline.
Comment: This sequence change replaces arginine, which is basic and polar, with histidine, which is basic and polar, at codon 1650 of the TUBGCP6 protein (p.Arg1650His). This variant is present in population databases (no rsID available, gnomAD 0.0009%). This variant has not been reported in the literature in individuals affected with TUBGCP6-related conditions. ClinVar contains an entry for this variant (Variation ID: 1475288). An algorithm developed to predict the effect of missense changes on protein structure and function (PolyPhen-2) suggests that this variant is likely to be disruptive. In summary, the available evidence is currently insufficient to determine the role of this variant in disease. Therefore, it has been classified as a Variant of Uncertain Significance.

Ambry Genetics
Classification: Uncertain significance for Inborn genetic diseases. Last evaluated: 2024-01-17. Review status: criteria provided, single submitter. Criteria: Ambry Variant Classification Scheme 2023. Collection method: clinical testing. Allele origin: germline.